The following is an entry in ClinVar:

NM_001972.4(ELANE):c.131_141del (p.Met44fs)

Gene: ELANE (elastase, neutrophil expressed; plus strand). Cytogenetic location: 19p13.3.
Variant type: Deletion.
Coding change: c.131_141del on transcript NM_001972.4 (MANE Select); coding-DNA positions 131 to 141, 11 bases deleted (TGGTGTCCCTG).
Protein change: p.Met44fs; shifts the reading frame from methionine 44.
Molecular consequence: frameshift variant.
Genome position (GRCh38, 1-based): chr19:852,939-852,949, TGGTGTCCCTG deleted. VCF-style (leftmost placement, unchanged base first): chr19-852938-ATGGTGTCCCTG-A. GRCh37 (hg19) VCF-style: chr19-852938-ATGGTGTCCCTG-A.
Other names: short protein forms M44fs.
Identifiers: ClinVar variation 2923630 (VCV002923630.3), dbSNP rs1361044310, ClinGen allele CA631295707.

ClinVar aggregate classification (germline): Uncertain significance (1 of 4 stars; one submission).

Conditions:
Neutropenia, severe congenital, 1, autosomal dominant. Identifiers: MedGen C1859966, MONDO:0042490, OMIM 202700.
Cyclical neutropenia. Also called: Cyclic hematopoiesis; Cyclic Neutropenia. Identifiers: Orphanet 2686, MedGen C0221023, MONDO:0008090, OMIM 162800, HP:0040289. Disease mechanism: loss of function.

Allele frequency attached by ClinVar (database versions not stated): gnomAD 0.00002; TOPMed 0.00002.

Submission:

Labcorp Genetics (formerly Invitae), Labcorp
Classification: Uncertain significance for Neutropenia, severe congenital, 1, autosomal dominant; Cyclical neutropenia. Last evaluated: 2024-09-08. Review status: criteria provided, single submitter. Criteria: Invitae Variant Classification Sherloc (09022015). Collection method: clinical testing. Allele origin: germline.
Comment: This sequence change creates a premature translational stop signal (p.Met44Thrfs*41) in the ELANE gene. It is expected to result in an absent or disrupted protein product. However, the current clinical and genetic evidence is not sufficient to establish whether loss-of-function variants in ELANE cause disease. This variant is present in population databases (no rsID available, gnomAD 0.008%). This variant has not been reported in the literature in individuals affected with ELANE-related conditions. In summary, the available evidence is currently insufficient to determine the role of this variant in disease. Therefore, it has been classified as a Variant of Uncertain Significance.